The following is an entry in ClinVar:

ClinVar aggregate classification (germline): Uncertain significance (1 of 4 stars; one submission).

gnomAD v4.1: 1 of 1,613,790 alleles (0.000062%); no homozygotes.

Submission:

Labcorp Genetics (formerly Invitae), Labcorp
Classification: Uncertain significance. Last evaluated: 2024-08-04. Review status: criteria provided, single submitter. Criteria: Invitae Variant Classification Sherloc (09022015). Collection method: clinical testing. Allele origin: germline.
Comment: This sequence change replaces serine, which is neutral and polar, with glycine, which is neutral and non-polar, at codon 1027 of the ADAMTS13 protein (p.Ser1027Gly). This variant is not present in population databases (gnomAD no frequency). This variant has not been reported in the literature in individuals affected with ADAMTS13-related conditions. An algorithm developed to predict the effect of missense changes on protein structure and function (PolyPhen-2) suggests that this variant is likely to be disruptive. In summary, the available evidence is currently insufficient to determine the role of this variant in disease. Therefore, it has been classified as a Variant of Uncertain Significance.

NM_139027.6(ADAMTS13):c.3079A>G (p.Ser1027Gly)

Gene: ADAMTS13 (ADAM metallopeptidase with thrombospondin type 1 motif 13; plus strand). Cytogenetic location: 9q34.2.
Variant type: single nucleotide variant.
Coding change: c.3079A>G on transcript NM_139027.6 (MANE Select); coding-DNA position 3079, A replaced by G.
Protein change: p.Ser1027Gly; replaces serine 1027 with glycine.
Molecular consequence: missense variant. On other transcripts: non-coding transcript variant (1).
Genome position (GRCh38, 1-based): chr9:133,454,449, A>G. VCF-style: chr9-133454449-A-G. GRCh37 (hg19) VCF-style: chr9-136319571-A-G.
Other names: c.3079A>G, p.Ser1027Gly (NM_139025.5); c.2986A>G, p.Ser996Gly (NM_139026.6); short protein forms S1027G, S996G.
Identifiers: ClinVar variation 3689244 (VCV003689244.2).